The following is an entry in ClinVar:

NM_000548.5(TSC2):c.1001_1009del (p.Val334_Tyr336del)

Gene: TSC2 (TSC complex subunit 2; plus strand). Cytogenetic location: 16p13.3.
Variant type: Deletion.
Coding change: c.1001_1009del on transcript NM_000548.5 (MANE Select); coding-DNA positions 1001 to 1009, 9 bases deleted (TGTCCTATG; older notation c.1001_1009delTGTCCTATG).
Protein change: p.Val334_Tyr336del.
Molecular consequence: inframe deletion. On other transcripts: inframe indel (22).
Genome position (GRCh38, 1-based): chr16:2,060,695-2,060,703, TGTCCTATG deleted; deleting any 9 consecutive bases within chr16:2,060,694-2,060,703 gives the same sequence; the c. name uses the placement nearest the transcript's 3' end. VCF-style (leftmost placement, unchanged base first): chr16-2060693-GGTGTCCTAT-G. GRCh37 (hg19) VCF-style: chr16-2110694-GGTGTCCTAT-G.
Other names: c.1001_1009del, p.Val334_Tyr336del (NM_001077183.3, NM_001114382.3, NM_001363528.2 and 3 more transcripts); c.890_898del, p.Val297_Tyr299del (NM_001318827.2); c.854_862del, p.Val285_Tyr287del (NM_001318829.2); c.401_409del, p.Val134_Tyr136del (NM_001318831.2); c.1034_1042del, p.Val345_Tyr347del (NM_001318832.2); c.1001_1009delTGTCCTATG, p.Val334_Tyr336del (NM_001406663.1, NM_001406664.1, NM_001406665.1); c.1091_1099delTGTCCTATG, p.Val364_Tyr366del (NM_001406667.1, NM_001406668.1); c.890_898delTGTCCTATG, p.Val297_Tyr299del (NM_001406670.1, NM_001406678.1); and 8 more.
Identifiers: ClinVar variation 1756421 (VCV001756421.2), dbSNP rs2548520127, ClinGen allele CA2580090682.
Genomic context (GRCh38, chr16:2,060,693, plus strand): 5'-GCTCTGACCCTGTGTGCTGGCCGGGCTCGTGTTCCAGGCCATGGCATGTCCGAACGAGGT[GGTGTCCTAT>G]GAGATCGTCCTGTCCATCACCAGGCTCATCAAGAAGTATAGGAAGGAGCTCCAGGTGGTG-3'

ClinVar aggregate classification (germline): Uncertain significance (1 of 4 stars; one submission).

Conditions:
Hereditary cancer-predisposing syndrome. Also called: Neoplastic Syndromes, Hereditary; Tumor predisposition; Hereditary Cancer Syndrome; Hereditary neoplastic syndrome. Identifiers: Orphanet 140162, MedGen C0027672, MeSH D009386, MONDO:0015356.

Submission:

Ambry Genetics
Classification: Uncertain significance for Hereditary cancer-predisposing syndrome. Last evaluated: 2018-10-16. Review status: criteria provided, single submitter. Criteria: Ambry Variant Classification Scheme 2023. Collection method: clinical testing. Allele origin: germline.
Comment: The c.1001_1009delTGTCCTATG variant (also known as p.V334_Y336del) is located in coding exon 10 of the TSC2 gene. This variant results from an in-frame deletion of 9 nucleotides at positions 1001 to 1009. This results in the deletion of 3 amino acids between codons 334 and 336. These amino acid positions are highly conserved in available vertebrate species. Since supporting evidence is limited at this time, the clinical significance of this alteration remains unclear.